The following is an entry in ClinVar:

NM_005045.4(RELN):c.4936+7A>T

Gene: RELN (reelin; minus strand). Cytogenetic location: 7q22.1.
Variant type: single nucleotide variant.
Coding change: c.4936+7A>T on transcript NM_005045.4 (MANE Select); 7 bases into the intron after coding-DNA position 4936, A replaced by T.
Molecular consequence: intron variant.
Genome position (GRCh38, 1-based): chr7:103,566,217, T>A on the plus strand (A>T on the coding strand, the complement: RELN is on the minus strand). VCF-style: chr7-103566217-T-A. GRCh37 (hg19) VCF-style: chr7-103206664-T-A.
Other names: c.4936+7A>T (NM_173054.3, NM_005045.3).
Identifiers: ClinVar variation 1544519 (VCV001544519.10), dbSNP rs1219192080, ClinGen allele CA577197034.

ClinVar aggregate classification (germline): Likely benign. Review status: criteria provided, single submitter (1 of 4 stars). 2 submissions from 2 submitters: Likely benign (1). 1 of the submissions does not count toward it. Last evaluated 2023-05-17.

Conditions:
Norman-Roberts syndrome (LIS2). Also called: Lissencephaly 2 (Norman-Roberts type). Identifiers: Orphanet 89844, MedGen C0796089, MONDO:0009760, OMIM 257320.
Familial temporal lobe epilepsy 7. Identifiers: Orphanet 101046, MedGen C4225327, MONDO:0014639, OMIM 616436.
RELN-related disorder. Also called: RELN-related condition.

Allele frequency attached by ClinVar (database versions not stated): gnomAD exomes below 0.00001; TOPMed below 0.00001; gnomAD 0.00001.
gnomAD v4.1: 5 of 1,606,020 alleles (0.00031%); highest among the groups gnomAD compares: Non-Finnish European, 0.00043%; no homozygotes.

Submissions (2):

Labcorp Genetics (formerly Invitae), Labcorp
Classification: Likely benign for Familial temporal lobe epilepsy 7; Norman-Roberts syndrome. Last evaluated: 2023-05-17. Review status: criteria provided, single submitter. Criteria: Invitae Variant Classification Sherloc (09022015). Collection method: clinical testing. Allele origin: germline.

PreventionGenetics, part of Exact Sciences
Classification: Likely benign for RELN-related condition. Last evaluated: 2023-07-03. Review status: no assertion criteria provided. Collection method: clinical testing. Allele origin: germline. Not counted in ClinVar's aggregate classification.
Comment: This variant is classified as likely benign based on ACMG/AMP sequence variant interpretation guidelines (Richards et al. 2015 PMID: 25741868, with internal and published modifications).